The following is an entry in ClinVar:

ClinVar aggregate classification (germline): Uncertain significance (1 of 4 stars; one submission).

Conditions:
DYRK1A-related intellectual disability syndrome (MRD7). Also called: Intellectual developmental disorder, autosomal dominant 7; DYRK1A Syndrome. Identifiers: Orphanet 464306, MedGen C5568143, MONDO:0013578, OMIM 614104.

Allele frequency attached by ClinVar (database versions not stated): gnomAD exomes below 0.00001.
gnomAD v4.1: 1 of 1,614,184 alleles (0.000062%); highest among the groups gnomAD compares: Middle Eastern, 0.017%; no homozygotes.

Submission:

Labcorp Genetics (formerly Invitae), Labcorp
Classification: Uncertain significance for DYRK1A-related intellectual disability syndrome. Last evaluated: 2017-11-27. Review status: criteria provided, single submitter. Criteria: Invitae Variant Classification Sherloc (09022015). Collection method: clinical testing. Allele origin: germline.
Comment: In summary, the available evidence is currently insufficient to determine the role of this variant in disease. Therefore, it has been classified as a Variant of Uncertain Significance. Algorithms developed to predict the effect of sequence changes on RNA splicing suggest that this variant may create or strengthen a splice site, but this prediction has not been confirmed by published transcriptional studies. Algorithms developed to predict the effect of missense changes on protein structure and function (SIFT, PolyPhen-2, Align-GVGD) all suggest that this variant is likely to be tolerated, but these predictions have not been confirmed by published functional studies and their clinical significance is uncertain. This variant has not been reported in the literature in individuals with DYRK1A-related disease. This variant is not present in population databases (ExAC no frequency). This sequence change replaces histidine with tyrosine at codon 541 of the DYRK1A protein (p.His541Tyr). The histidine residue is highly conserved and there is a moderate physicochemical difference between histidine and tyrosine.

NM_001347721.2(DYRK1A):c.1594C>T (p.His532Tyr)

Gene: DYRK1A (dual specificity tyrosine phosphorylation regulated kinase 1A; plus strand). Cytogenetic location: 21q22.13.
Variant type: single nucleotide variant.
Coding change: c.1594C>T on transcript NM_001347721.2 (MANE Select); coding-DNA position 1594, C replaced by T.
Protein change: p.His532Tyr; replaces histidine 532 with tyrosine.
Molecular consequence: missense variant. On other transcripts: intron variant (1).
Genome position (GRCh38, 1-based): chr21:37,506,173, C>T. VCF-style: chr21-37506173-C-T. GRCh37 (hg19) VCF-style: chr21-38878476-C-T.
Other names: c.1594C>T, p.His532Tyr (NM_001347722.2, NM_130436.2); c.1507C>T, p.His503Tyr (NM_001347723.2); c.1621C>T, p.His541Tyr (NM_001396.5, NM_101395.2); c.1546+584C>T (NM_130438.2); short protein forms H541Y, H532Y, H503Y.
Identifiers: ClinVar variation 539571 (VCV000539571.9), dbSNP rs1555991472, ClinGen allele CA409938938.